The following is an entry in ClinVar:

NM_001080.3(ALDH5A1):c.803G>A (p.Gly268Glu)

Gene: ALDH5A1 (aldehyde dehydrogenase 5 family member A1; plus strand). Cytogenetic location: 6p22.3.
Variant type: single nucleotide variant.
Coding change: c.803G>A on transcript NM_001080.3 (MANE Select); coding-DNA position 803, G replaced by A.
Protein change: p.Gly268Glu; replaces glycine 268 with glutamic acid.
Molecular consequence: missense variant. On other transcripts: intron variant (1).
Genome position (GRCh38, 1-based): chr6:24,515,243, G>A. VCF-style: chr6-24515243-G-A. GRCh37 (hg19) VCF-style: chr6-24515471-G-A.
Other names: p.Gly268Glu; c.842G>A, p.Gly281Glu (NM_170740.1); c.727-5158G>A (NM_001368954.1); short protein forms G281E, G268E.
Identifiers: ClinVar variation 235512 (VCV000235512.34), dbSNP rs375628463, ClinGen allele CA3656756.
Genomic context (GRCh38, chr6:24,515,243, plus strand): 5'-GGATTCCTTCAGGTGTATACAATGTTATTCCCTGTTCTCGAAAGAATGCCAAGGAAGTAG[G>A]GGAGGCAATTTGTACTGATCCTCTGGTGTCCAAAATTTCCTTTACTGGTTCAACAACTAC-3'
Protein context (NP_001071.1, residues 258-278): PCSRKNAKEV[Gly268Glu]EAICTDPLVS

ClinVar aggregate classification (germline): Pathogenic. Review status: criteria provided, multiple submitters, no conflicts (2 of 4 stars). 12 submissions from 12 submitters: Pathogenic (10). 2 of the submissions do not count toward it. Last evaluated 2026-01-24.

Conditions:
ALDH5A1-related disorder. Also called: ALDH5A1-related condition.
Inborn genetic diseases. Identifiers: MedGen C0950123, MeSH D030342.
Succinate-semialdehyde dehydrogenase deficiency (SSADHD). Also called: SSADH DEFICIENCY; 4-HYDROXYBUTYRIC ACIDURIA; Succinic Semialdehyde Dehydrogenase Deficiency; GABA METABOLIC DEFECT. Identifiers: Orphanet 22, MedGen C0268631, MONDO:0010083, OMIM 271980.

Allele frequency attached by ClinVar (database versions not stated): gnomAD 0.00009; gnomAD exomes 0.00009 and 0.00020; TOPMed 0.00010; ESP Exome Variant Server 0.00015; ExAC 0.00008.
gnomAD v4.1: 300 of 1,613,390 alleles (0.019%); highest among the groups gnomAD compares: Non-Finnish European, 0.025%; no homozygotes.

Submissions (12):

Labcorp Genetics (formerly Invitae), Labcorp
Classification: Pathogenic for Succinate-semialdehyde dehydrogenase deficiency. Last evaluated: 2026-01-24. Review status: criteria provided, single submitter. Criteria: Invitae Variant Classification Sherloc (09022015). Collection method: clinical testing. Allele origin: germline.
Comment: This sequence change replaces glycine, which is neutral and non-polar, with glutamic acid, which is acidic and polar, at codon 268 of the ALDH5A1 protein (p.Gly268Glu). This variant is present in population databases (rs375628463, gnomAD 0.01%). This missense change has been observed in individual(s) with succinic semialdehyde dehydrogenase deficiency (PMID: 11243727, 14635103, 27104484). In at least one individual the data is consistent with being in trans (on the opposite chromosome) from a pathogenic variant. ClinVar contains an entry for this variant (Variation ID: 235512). Invitae Evidence Modeling of protein sequence and biophysical properties (such as structural, functional, and spatial information, amino acid conservation, physicochemical variation, residue mobility, and thermodynamic stability) has been performed for this missense variant. However, the output from this modeling did not meet the statistical confidence thresholds required to predict the impact of this variant on ALDH5A1 protein function. Experimental studies have shown that this missense change affects ALDH5A1 function (PMID: 14635103). For these reasons, this variant has been classified as Pathogenic.

GeneDx
Classification: Pathogenic. Last evaluated: 2025-09-25. Review status: criteria provided, single submitter. Criteria: GeneDx Variant Classification Process June 2021. Collection method: clinical testing. Allele origin: germline. Affected: yes.
Comment: Published functional studies demonstrate that G268E results in loss of SSADH enzymatic activity (PMID: 14635103, 32402538); Not observed at significant frequency in large population cohorts (gnomAD); In silico analysis supports that this missense variant has a deleterious effect on protein structure/function; This variant is associated with the following publications: (PMID: 27104484, 25525159, 20174634, 19300440, 31515079, 31440721, 32402538, 23825041, 26964512, 20804942, 11243727, 14635103, 25558043, 33203024, 39011401, 31589614, 37962671)

Dasa
Classification: Pathogenic. Last evaluated: 2025-07-16. Review status: criteria provided, single submitter. Criteria: DASA Assertion Criteria. Collection method: clinical testing. Allele origin: germline.
Comment: NM_001080.3(ALDH5A1):c.803G>A (p.Gly268Glu) is a missense variant that results in the substitution of glycine with glutamic acid. The affected residue or protein region has prior evidence supporting clinical relevance. This variant has been observed in affected individuals with related phenotype in a genotype context consistent with recessive disease (PMID: 11243727; PMID: 14635103; PMID: 27104484; PMID: 32402538). Functional evidence supports a deleterious effect on the gene or gene product (PMID: 11243727; PMID: 14635103; PMID: 27104484; PMID: 32402538). This variant has been recurrently observed in individuals with related phenotype (PMID: 11243727; PMID: 14635103; PMID: 27104484; PMID: 32402538). Segregation evidence has been reported in affected families. Multiple computational predictions support a deleterious effect on the gene or gene product. The variant is present at low frequency in population datasets. Based on the available data, this variant is classified as pathogenic.

Blueprint Genetics
Classification: Pathogenic for ALDH5A1-related disorders. Last evaluated: 2024-10-17. Review status: criteria provided, single submitter. Criteria: ACMG Guidelines, 2015. Collection method: clinical testing. Allele origin: germline. Affected: yes. Observed: 5 variant alleles.

Women's Health and Genetics/Laboratory Corporation of America, LabCorp
Classification: Pathogenic for Succinate-semialdehyde dehydrogenase deficiency. Last evaluated: 2023-07-27. Review status: criteria provided, single submitter. Criteria: LabCorp Variant Classification Summary - May 2015. Collection method: clinical testing. Allele origin: germline.
Comment: Variant summary: ALDH5A1 c.803G>A (p.Gly268Glu) results in a non-conservative amino acid change located in the Aldehyde dehydrogenase domain (IPR015590) of the encoded protein sequence. Five of five in-silico tools predict a damaging effect of the variant on protein function. The variant allele was found at a frequency of 8.7e-05 in 251478 control chromosomes (gnomAD). c.803G>A has been reported in the literature in individuals affected with Succinic Semialdehyde Dehydrogenase Deficiency (example: Akaboshi_2003). These data indicate that the variant is likely to be associated with disease. At least one publication reports experimental evidence evaluating an impact on protein function. The most pronounced variant effect results in <10% of normal activity (example: Akaboshi_ALDH5A1_HumMutat_2003). The following publications have been ascertained in the context of this evaluation (PMID: 11243727, 14635103). Seven submitters have cited clinical-significance assessments for this variant to ClinVar after 2014. All submitters classified the variant as pathogenic. Based on the evidence outlined above, the variant was classified as pathogenic.

Revvity Omics, Revvity
Classification: Pathogenic for Succinate-semialdehyde dehydrogenase deficiency. Last evaluated: 2021-11-19. Review status: criteria provided, single submitter. Criteria: ACMG Guidelines, 2015. Collection method: clinical testing. Allele origin: germline.

Elsea Laboratory, Baylor College of Medicine
Classification: Pathogenic for Succinate-semialdehyde dehydrogenase deficiency. Last evaluated: 2021-03-08. Review status: criteria provided, single submitter. Criteria: Martin et al. (J Child Neurol. 2021). Collection method: curation. Allele origin: germline. Affected: yes.
Comment: enzyme activity <1%;NAD binding domain

Illumina Laboratory Services, Illumina
Classification: Pathogenic for Succinate-semialdehyde dehydrogenase deficiency. Last evaluated: 2018-11-01. Review status: criteria provided, single submitter. Criteria: ICSL Variant Classification Criteria 09 May 2019. Collection method: clinical testing. Allele origin: germline.
Comment: The ALDH5A1 c.803G>A (p.Gly268Glu) missense variant, also known as the p.Gly281Glu variant, has been reported in a compound heterozygous state in five unrelated individuals with succinic semialdehyde dehydrogenase (SSADH) deficiency (Hogema et al. 2001; Akaboshi et al. 2003). The p.Gly268Glu variant was absent from 140 control chromosomes and is reported at a frequency of 0.000145 in the Latino population of the Genome Aggregation Database. HEK293 cells expressing the p.Gly268Glu variant demonstrated <1% SSADH activity compared to wild type (Akaboshi et al. 2003). Based on the evidence, the p.Gly268Glu variant is classified as pathogenic for succinic semialdehyde dehydrogenase deficiency. This variant was observed by ICSL as part of a predisposition screen in an ostensibly healthy population.

Ambry Genetics
Classification: Pathogenic for Inborn genetic diseases. Last evaluated: 2017-12-28. Review status: criteria provided, single submitter. Criteria: Ambry exome assertion method (8-5-2015). Collection method: clinical testing. Allele origin: germline. Affected: yes. Observed: 1 variant allele.

Center for Pediatric Genomic Medicine, Children's Mercy Hospital and Clinics
Classification: Pathogenic. Last evaluated: 2015-02-09. Review status: criteria provided, single submitter. Criteria: ACMG Guidelines, 2015. Collection method: clinical testing. Allele origin: germline.

PreventionGenetics, part of Exact Sciences
Classification: Pathogenic for ALDH5A1-related condition. Last evaluated: 2024-07-26. Review status: no assertion criteria provided. Collection method: clinical testing. Allele origin: germline. Not counted in ClinVar's aggregate classification.
Comment: The ALDH5A1 c.803G>A variant is predicted to result in the amino acid substitution p.Gly268Glu. This variant has been reported in the compound heterozygous state in several individuals with succinic semialdehyde dehydrogenase deficiency (SSADH) (Hogema et al. 2001. PubMed ID: 11243727; Horvath et al. 2016. PubMed ID: 27104484; Latzer et al. 2023. PubMed ID: 37962671). Functional studies using HEK293 cells indicated that the p.Gly268Glu decreased succinate semialdehyde dehydrogenase activity to less than 1% (Akaboshi et al. 2003. PubMed ID: 14635103). In silico structural modeling predicts the Gly268 residue maintains stability of the alpha-helix, which is a crucial component of NAD+ binding. This variant loosens critical interactions necessary for proper binding, negatively affecting protein function and stability (Latzer et al. 2023. PubMed ID: 37962671). This variant is reported in 0.014% of alleles in individuals of Latino descent in gnomAD. This variant is interpreted as pathogenic.

Clinical Genomics Laboratory, Stanford Medicine
Classification: Pathogenic for Succinate-semialdehyde dehydrogenase deficiency. Last evaluated: 2020-10-28. Review status: no assertion criteria provided. Collection method: clinical testing. Allele origin: germline. Inheritance: Autosomal recessive inheritance. Affected: yes. Observed: 1 heterozygote. Not counted in ClinVar's aggregate classification.
Comment: The p.Gly268Glu variant in the ALDH5A1 gene has been previously reported in 7 unrelated individuals with succinic semialdehyde dehydrogenase deficiency (Akaboshi, et al., 2003, Hogema et al., 2001; Horvath et al., 2016). All affected individuals were compound heterozygotes. This variant was determined to be in trans with a disease-associated variant (p.Trp204*, p.Arg412*), consistent with autosomal recessive inheritance. The presence of this variant with a likely disease causing variant on the opposite allele increases suspicion for its pathogenicity. This variant has also been identified in 24/282406 chromosomes by the Genome Aggregation Database. Although this variant has been seen in the general population, its frequency is low enough to be consistent with a recessive carrier frequency. In vitro functional studies of the p.Gly268Glu variant suggest a deleterious effect to the protein that is sufficient to be disease-causing (Akaboshi et al., 2003; Hogema et al., 2001). Computational tools predict that the p.Gly268Glu variant is deleterious; however, the accuracy of in silico algorithms is limited. These data were assessed using the ACMG/AMP variant interpretation guidelines. In summary, there is sufficient evidence to classify the p.Gly268Glu variant as pathogenic for autosomal recessive succinic semialdehyde dehydrogenase deficiency based on the information above. [ACMG evidence codes used: PS4; PS3_Moderate; PM2; PM3; PP3]

Literature cited by the submitters: PubMed 11243727 (cited by 5 submitters); PubMed 14635103 (cited by 6 submitters); PubMed 27104484 (cited by Labcorp Genetics (formerly Invitae), Labcorp and Dasa); PubMed 32402538 (cited by Dasa); PubMed 11544478 (cited by Elsea Laboratory, Baylor College of Medicine); PubMed 33203024 (cited by Elsea Laboratory, Baylor College of Medicine).